The following is an entry in ClinVar:

NM_005257.6(GATA6):c.16G>C (p.Gly6Arg)

Gene: GATA6 (GATA binding protein 6; plus strand). Cytogenetic location: 18q11.2.
Variant type: single nucleotide variant.
Coding change: c.16G>C on transcript NM_005257.6 (MANE Select); coding-DNA position 16, G replaced by C.
Protein change: p.Gly6Arg; replaces glycine 6 with arginine.
Molecular consequence: missense variant.
Genome position (GRCh38, 1-based): chr18:22,171,160, G>C. VCF-style: chr18-22171160-G-C. GRCh37 (hg19) VCF-style: chr18-19751121-G-C.
Other names: short protein forms G6R.
Identifiers: ClinVar variation 1352543 (VCV001352543.8), dbSNP rs139750927, ClinGen allele CA297146943.

ClinVar aggregate classification (germline): Uncertain significance (1 of 4 stars; one submission).

Conditions:
Atrioventricular septal defect 5 (AVSD5). Identifiers: MedGen C3280939, MONDO:0013769, OMIM 614474.

Submission:

Labcorp Genetics (formerly Invitae), Labcorp
Classification: Uncertain significance for Atrioventricular septal defect 5. Last evaluated: 2022-03-18. Review status: criteria provided, single submitter. Criteria: Invitae Variant Classification Sherloc (09022015). Collection method: clinical testing. Allele origin: germline.
Comment: This sequence change replaces glycine, which is neutral and non-polar, with arginine, which is basic and polar, at codon 6 of the GATA6 protein (p.Gly6Arg). This variant is not present in population databases (gnomAD no frequency). This variant has not been reported in the literature in individuals affected with GATA6-related conditions. Algorithms developed to predict the effect of missense changes on protein structure and function output the following: SIFT: "Tolerated"; PolyPhen-2: "Benign"; Align-GVGD: "Class C0". The arginine amino acid residue is found in multiple mammalian species, which suggests that this missense change does not adversely affect protein function. In summary, the available evidence is currently insufficient to determine the role of this variant in disease. Therefore, it has been classified as a Variant of Uncertain Significance.